The following is an entry in ClinVar:

ClinVar aggregate classification (germline): Uncertain significance. Review status: criteria provided, multiple submitters, no conflicts (2 of 4 stars). 2 submissions from 2 submitters: Uncertain significance (2). Last evaluated 2026-05-15.

Conditions:
Inborn genetic diseases. Identifiers: MedGen C0950123, MeSH D030342.

Submissions (2):

GeneDx
Classification: Uncertain significance. Last evaluated: 2026-05-15. Review status: criteria provided, single submitter. Criteria: GeneDx Variant Classification Process June 2021. Collection method: clinical testing. Allele origin: germline.
Comment: In silico analysis suggests that this missense variant does not alter protein structure/function; Has not been previously published as pathogenic or benign to our knowledge

Ambry Genetics
Classification: Uncertain significance for Inborn genetic diseases. Last evaluated: 2024-12-31. Review status: criteria provided, single submitter. Criteria: Ambry Variant Classification Scheme 2023. Collection method: clinical testing. Allele origin: germline.

NM_145886.4(PIDD1):c.1297C>T (p.Pro433Ser)

Gene: PIDD1 (p53-induced death domain protein 1; minus strand). Cytogenetic location: 11p15.5.
Variant type: single nucleotide variant.
Coding change: c.1297C>T on transcript NM_145886.4 (MANE Select); coding-DNA position 1297, C replaced by T.
Protein change: p.Pro433Ser; replaces proline 433 with serine.
Molecular consequence: missense variant.
Genome position (GRCh38, 1-based): chr11:801,970, G>A on the plus strand (C>T on the coding strand, the complement: PIDD1 is on the minus strand). VCF-style: chr11-801970-G-A. GRCh37 (hg19) VCF-style: chr11-801970-G-A.
Other names: c.1297C>T, p.Pro433Ser (NM_145887.4); short protein forms P433S.
Identifiers: ClinVar variation 3766204 (VCV003766204.3).
Genomic context (GRCh38, chr11:801,970, plus strand): 5'-ACGGCTCAGGGCAGCAGCTCTCCACTCGCCACCGGCAGGCCTGGGTGGCCCTCACCTGGG[G>A]TGCCTCTTCCTCCAGGTAGGTCTCCAGGTCACCCCAGCTGTTGTCATTCCGGGTCCTGAC-3'
Protein context (NP_665893.2, residues 423-443): DLETYLEEEA[Pro433Ser]QRLWAHCQVP